The following is an entry in ClinVar:

ClinVar aggregate classification (germline): Uncertain significance (1 of 4 stars; one submission).

Conditions:
Primary ciliary dyskinesia. Also called: Ciliary dyskinesia. Identifiers: Orphanet 244, MedGen C0008780, MONDO:0016575, HP:0012265.

Submission:

Labcorp Genetics (formerly Invitae), Labcorp
Classification: Uncertain significance for Primary ciliary dyskinesia. Last evaluated: 2024-02-08. Review status: criteria provided, single submitter. Criteria: Invitae Variant Classification Sherloc (09022015). Collection method: clinical testing. Allele origin: germline.
Comment: This sequence change replaces glutamic acid, which is acidic and polar, with aspartic acid, which is acidic and polar, at codon 199 of the MCIDAS protein (p.Glu199Asp). This variant is not present in population databases (gnomAD no frequency). This variant has not been reported in the literature in individuals affected with MCIDAS-related conditions. Advanced modeling of protein sequence and biophysical properties (such as structural, functional, and spatial information, amino acid conservation, physicochemical variation, residue mobility, and thermodynamic stability) performed at Invitae indicates that this missense variant is not expected to disrupt MCIDAS protein function with a negative predictive value of 80%. In summary, the available evidence is currently insufficient to determine the role of this variant in disease. Therefore, it has been classified as a Variant of Uncertain Significance.

NM_001190787.3(MCIDAS):c.597G>C (p.Glu199Asp)

Gene: MCIDAS (multiciliate differentiation and DNA synthesis associated cell cycle protein; minus strand). Cytogenetic location: 5q11.2.
Variant type: single nucleotide variant.
Coding change: c.597G>C on transcript NM_001190787.3 (MANE Select); coding-DNA position 597, G replaced by C.
Protein change: p.Glu199Asp; replaces glutamic acid 199 with aspartic acid.
Molecular consequence: missense variant.
Genome position (GRCh38, 1-based): chr5:55,222,185, C>G on the plus strand (G>C on the coding strand, the complement: MCIDAS is on the minus strand). VCF-style: chr5-55222185-C-G. GRCh37 (hg19) VCF-style: chr5-54518013-C-G.
Other names: short protein forms E199D.
Identifiers: ClinVar variation 3692792 (VCV003692792.2).